The following is an entry in ClinVar:

NM_000138.5(FBN1):c.5121T>A (p.Asp1707Glu)

Gene: FBN1 (fibrillin 1; minus strand). Cytogenetic location: 15q21.1.
Variant type: single nucleotide variant.
Coding change: c.5121T>A on transcript NM_000138.5 (MANE Select); coding-DNA position 5121, T replaced by A.
Protein change: p.Asp1707Glu; replaces aspartic acid 1707 with glutamic acid.
Molecular consequence: missense variant.
Genome position (GRCh38, 1-based): chr15:48,463,185, A>T on the plus strand (T>A on the coding strand, the complement: FBN1 is on the minus strand). VCF-style: chr15-48463185-A-T. GRCh37 (hg19) VCF-style: chr15-48755382-A-T.
Other names: c.5121T>A, p.Asp1707Glu (NM_001406716.1); short protein forms D1707E.
Identifiers: ClinVar variation 2773337 (VCV002773337.2), dbSNP rs1031351464, ClinGen allele CA392349261.

ClinVar aggregate classification (germline): Uncertain significance (1 of 4 stars; one submission).

Conditions:
Familial thoracic aortic aneurysm and aortic dissection (TAAD). Also called: Thoracic aortic aneurysms and dissections. Identifiers: Orphanet 91387, MedGen C4707243, MONDO:0019625.

Submission:

Color Diagnostics, LLC DBA Color Health
Classification: Uncertain significance for Familial thoracic aortic aneurysm and aortic dissection. Last evaluated: 2024-03-07. Review status: criteria provided, single submitter. Criteria: ACMG Guidelines, 2015. Collection method: clinical testing. Allele origin: germline.
Comment: This missense variant replaces aspartic acid with glutamic acid at codon 1707 of the FBN1 protein. Computational prediction suggests that this variant may not impact protein structure and function (internally defined REVEL score threshold <= 0.5, PMID: 27666373). To our knowledge, functional studies have not been reported for this variant. This variant has not been reported in individuals affected with cardiovascular disorders in the literature. This variant has not been identified in the general population by the Genome Aggregation Database (gnomAD). The available evidence is insufficient to determine the role of this variant in disease conclusively. Therefore, this variant is classified as a Variant of Uncertain Significance.